The following is an entry in ClinVar:

NM_032447.5(FBN3):c.7490G>A (p.Gly2497Asp)

Gene: FBN3 (fibrillin 3; minus strand). Cytogenetic location: 19p13.2.
Variant type: single nucleotide variant.
Coding change: c.7490G>A on transcript NM_032447.5 (MANE Select); coding-DNA position 7490, G replaced by A.
Protein change: p.Gly2497Asp; replaces glycine 2497 with aspartic acid.
Molecular consequence: missense variant.
Genome position (GRCh38, 1-based): chr19:8,075,375, C>T on the plus strand (G>A on the coding strand, the complement: FBN3 is on the minus strand). VCF-style: chr19-8075375-C-T. GRCh37 (hg19) VCF-style: chr19-8140259-C-T.
Other names: c.7490G>A, p.Gly2497Asp (NM_001321431.2); short protein forms G2497D.
Identifiers: ClinVar variation 2769131 (VCV002769131.3), dbSNP rs2512544077, ClinGen allele CA403702468.

ClinVar aggregate classification (germline): Uncertain significance (1 of 4 stars; one submission).

Allele frequency attached by ClinVar (database versions not stated): gnomAD exomes below 0.00001.
gnomAD v4.1: 1 of 1,614,034 alleles (0.000062%); highest among the groups gnomAD compares: Non-Finnish European, 0.000085%; no homozygotes.

Submission:

Labcorp Genetics (formerly Invitae), Labcorp
Classification: Uncertain significance. Last evaluated: 2023-10-16. Review status: criteria provided, single submitter. Criteria: Invitae Variant Classification Sherloc (09022015). Collection method: clinical testing. Allele origin: germline.
Comment: This sequence change replaces glycine, which is neutral and non-polar, with aspartic acid, which is acidic and polar, at codon 2497 of the FBN3 protein (p.Gly2497Asp). This variant is not present in population databases (gnomAD no frequency). This variant has not been reported in the literature in individuals affected with FBN3-related conditions. Advanced modeling of protein sequence and biophysical properties (such as structural, functional, and spatial information, amino acid conservation, physicochemical variation, residue mobility, and thermodynamic stability) performed at Invitae indicates that this missense variant is expected to disrupt FBN3 protein function. In summary, the available evidence is currently insufficient to determine the role of this variant in disease. Therefore, it has been classified as a Variant of Uncertain Significance.